The following is an entry in ClinVar:

NM_001040142.2(SCN2A):c.1671+5A>C

Gene: SCN2A (sodium voltage-gated channel alpha subunit 2; plus strand). Cytogenetic location: 2q24.3.
Variant type: single nucleotide variant.
Coding change: c.1671+5A>C on transcript NM_001040142.2 (MANE Select); 5 bases into the intron after coding-DNA position 1671, A replaced by C.
Molecular consequence: intron variant.
Genome position (GRCh38, 1-based): chr2:165,315,763, A>C. VCF-style: chr2-165315763-A-C. GRCh37 (hg19) VCF-style: chr2-166172273-A-C.
Other names: c.1671+5A>C (NM_001040143.2, NM_001371246.1, NM_001371247.1 and 1 more transcripts).
Identifiers: ClinVar variation 2126432 (VCV002126432.4), dbSNP rs2467909430, ClinGen allele CA2580064220.

ClinVar aggregate classification (germline): Uncertain significance (1 of 4 stars; one submission).

Conditions:
Seizures, benign familial infantile, 3 (BFIS3). Also called: Familial neonatal seizures; CONVULSIONS, BENIGN FAMILIAL INFANTILE, 3. Identifiers: Orphanet 140927, Orphanet 306, MedGen C1843140, MONDO:0011904, OMIM 607745.
Developmental and epileptic encephalopathy, 11 (DEE11). Also called: Early infantile epileptic encephalopathy 11. Identifiers: Orphanet 1934, MedGen C3150987, MONDO:0013388, OMIM 613721.

Submission:

Labcorp Genetics (formerly Invitae), Labcorp
Classification: Uncertain significance for Seizures, benign familial infantile, 3; Developmental and epileptic encephalopathy, 11. Last evaluated: 2023-12-30. Review status: criteria provided, single submitter. Criteria: Invitae Variant Classification Sherloc (09022015). Collection method: clinical testing. Allele origin: germline.
Comment: This sequence change falls in intron 11 of the SCN2A gene. It does not directly change the encoded amino acid sequence of the SCN2A protein. It affects a nucleotide within the consensus splice site. This variant is not present in population databases (gnomAD no frequency). This variant has not been reported in the literature in individuals affected with SCN2A-related conditions. ClinVar contains an entry for this variant (Variation ID: 2126432). Variants that disrupt the consensus splice site are a relatively common cause of aberrant splicing (PMID: 17576681, 9536098). Algorithms developed to predict the effect of sequence changes on RNA splicing suggest that this variant is not likely to affect RNA splicing. In summary, the available evidence is currently insufficient to determine the role of this variant in disease. Therefore, it has been classified as a Variant of Uncertain Significance.

Literature cited by the submitters: PubMed 17576681; PubMed 9536098.